The following is an entry in ClinVar:

ClinVar aggregate classification (germline): Likely pathogenic (1 of 4 stars; one submission).

Conditions:
Familial thoracic aortic aneurysm and aortic dissection (TAAD). Also called: Thoracic aortic aneurysms and dissections. Identifiers: Orphanet 91387, MedGen C4707243, MONDO:0019625.

Submission:

Ambry Genetics
Classification: Likely pathogenic for Familial thoracic aortic aneurysm and aortic dissection. Last evaluated: 2025-11-03. Review status: criteria provided, single submitter. Criteria: Ambry Variant Classification Scheme 2023. Collection method: clinical testing. Allele origin: germline.
Comment: The c.898-2A>G intronic variant results from an A to G substitution two nucleotides upstream from coding exon 13 in the COL3A1 gene. Alterations that disrupt the canonical splice site are expected to result in aberrant splicing. In silico splice site analysis predicts that this alteration will weaken the native splice acceptor site. A resulting transcript is predicted to be in-frame and is not expected to trigger nonsense-mediated mRNAdecay; although, direct evidence is unavailable. However, the region predicted to be impacted is critical for protein function (Ambry internal data). This variant is considered to be rare based on population cohorts in the Genome Aggregation Database (gnomAD). This nucleotide position is highly conserved in available vertebrate species. Based on the majority of available evidence to date, this variant is likely to be pathogenic.

NM_000090.4(COL3A1):c.898-2A>G

Gene: COL3A1 (collagen type III alpha 1 chain; plus strand). Cytogenetic location: 2q32.2.
Variant type: single nucleotide variant.
Coding change: c.898-2A>G on transcript NM_000090.4 (MANE Select); the canonical splice acceptor site of the intron before coding-DNA position 898, A replaced by G.
Molecular consequence: splice acceptor variant.
Genome position (GRCh38, 1-based): chr2:188,991,667, A>G. VCF-style: chr2-188991667-A-G. GRCh37 (hg19) VCF-style: chr2-189856393-A-G.
Identifiers: ClinVar variation 519618 (VCV000519618.6), dbSNP rs1553507574, ClinGen allele CA349849966.